The following is an entry in ClinVar:

NM_001366385.1(CARD14):c.2398+42T>C

Genes: SGSH (N-sulfoglucosamine sulfohydrolase; minus strand), CARD14 (caspase recruitment domain family member 14; plus strand). Cytogenetic location: 17q25.3.
Variant type: single nucleotide variant.
Coding change: c.2398+42T>C on transcript NM_001366385.1 (MANE Select); 42 bases into the intron after coding-DNA position 2398, T replaced by C.
Molecular consequence: intron variant.
Genome position (GRCh38, 1-based): chr17:80,204,383, T>C. VCF-style: chr17-80204383-T-C. GRCh37 (hg19) VCF-style: chr17-78178182-T-C.
Other names: c.2398+42T>C (NM_024110.4).
Identifiers: ClinVar variation 1192537 (VCV001192537.7), dbSNP rs4889836, ClinGen allele CA8817298.

ClinVar aggregate classification (germline): Benign. Review status: criteria provided, multiple submitters, no conflicts (2 of 4 stars). 5 submissions from 4 submitters: Benign (5). Last evaluated 2023-11-12.

Conditions:
Pityriasis rubra pilaris (PRP). Also called: Pityriasis rubra pilaris--familial type. Identifiers: Orphanet 2897, MedGen C0032027, MONDO:0100017, OMIM 173200, MONDO:0008251.
Psoriasis 2. Identifiers: MedGen C1864497, MONDO:0011269, OMIM 602723.

Allele frequency attached by ClinVar (database versions not stated): 1000 Genomes Project 30x 0.37086; 1000 Genomes Project 0.37300; TOPMed 0.40709; gnomAD 0.41512 and 0.41735; ESP Exome Variant Server 0.41558; ExAC 0.43708; gnomAD exomes 0.48519.

Submissions (5):

Unidad de Genómica Garrahan, Hospital de Pediatría Garrahan
Classification: Benign. Last evaluated: 2023-11-12. Review status: criteria provided, single submitter. Criteria: ACMG Guidelines, 2015. Collection method: clinical testing. Allele origin: germline. Affected: no. Observed: 51 variant alleles.
Comment: This variant is classified as Benign based on local population frequency. This variant was detected in 53% of patients studied by a panel of primary immunodeficiencies. Number of patients: 51. Only high quality variants are reported.

Genome-Nilou Lab
Classification: Benign for Pityriasis rubra pilaris. Last evaluated: 2021-07-14. Review status: criteria provided, single submitter. Criteria: ACMG Guidelines, 2015. Collection method: clinical testing. Allele origin: germline. Affected: no.

Genome-Nilou Lab
Classification: Benign for Psoriasis 2. Last evaluated: 2021-07-14. Review status: criteria provided, single submitter. Criteria: ACMG Guidelines, 2015. Collection method: clinical testing. Allele origin: germline. Affected: no.

GeneDx
Classification: Benign. Last evaluated: 2018-07-09. Review status: criteria provided, single submitter. Criteria: GeneDx Variant Classification Process June 2021. Collection method: clinical testing. Allele origin: germline. Affected: yes.

Breakthrough Genomics
Classification: Benign. Review status: criteria provided, single submitter. Criteria: ACMG Guidelines, 2015. Collection method: not provided. Allele origin: germline. Inheritance: Autosomal dominant inheritance. Affected: yes.